The following is an entry in ClinVar:

ClinVar aggregate classification (germline): Uncertain significance (1 of 4 stars; one submission).

Allele frequency attached by ClinVar (database versions not stated): ExAC 0.00003; gnomAD exomes 0.00003 and 0.00006; gnomAD 0.00013 and 0.00014; TOPMed 0.00015.
gnomAD v4.1: 40 of 1,613,478 alleles (0.0025%); highest among the groups gnomAD compares: Admixed American, 0.053%; no homozygotes.

Submission:

Labcorp Genetics (formerly Invitae), Labcorp
Classification: Uncertain significance. Last evaluated: 2021-05-03. Review status: criteria provided, single submitter. Criteria: Invitae Variant Classification Sherloc (09022015). Collection method: clinical testing. Allele origin: germline.
Comment: Algorithms developed to predict the effect of missense changes on protein structure and function (SIFT, PolyPhen-2, Align-GVGD) all suggest that this variant is likely to be tolerated, but these predictions have not been confirmed by published functional studies and their clinical significance is uncertain. In summary, the available evidence is currently insufficient to determine the role of this variant in disease. Therefore, it has been classified as a Variant of Uncertain Significance. This variant has not been reported in the literature in individuals with PLOD3-related conditions. This variant is present in population databases (rs763073092, ExAC 0.006%). This sequence change replaces glutamic acid with glutamine at codon 340 of the PLOD3 protein (p.Glu340Gln). The glutamic acid residue is moderately conserved and there is a small physicochemical difference between glutamic acid and glutamine.

NM_001084.5(PLOD3):c.1018G>C (p.Glu340Gln)

Gene: PLOD3 (procollagen-lysine,2-oxoglutarate 5-dioxygenase 3; minus strand). Cytogenetic location: 7q22.1.
Variant type: single nucleotide variant.
Coding change: c.1018G>C on transcript NM_001084.5 (MANE Select); coding-DNA position 1018, G replaced by C.
Protein change: p.Glu340Gln; replaces glutamic acid 340 with glutamine.
Molecular consequence: missense variant.
Genome position (GRCh38, 1-based): chr7:101,212,362, C>G on the plus strand (G>C on the coding strand, the complement: PLOD3 is on the minus strand). VCF-style: chr7-101212362-C-G. GRCh37 (hg19) VCF-style: chr7-100855643-C-G.
Other names: short protein forms E340Q.
Identifiers: ClinVar variation 1383542 (VCV001383542.8), dbSNP rs763073092, ClinGen allele CA4407876.